The following is an entry in ClinVar:

ClinVar aggregate classification (germline): Uncertain significance (1 of 4 stars; one submission).

Conditions:
Chromosome 2q32-q33 deletion syndrome (GLASS). Also called: Glass syndrome; 2q33.1 deletion syndrome. Identifiers: Orphanet 251019, MedGen C2676739, MONDO:0012864, OMIM 612313.

Allele frequency attached by ClinVar (database versions not stated): gnomAD exomes below 0.00001; TOPMed 0.00002.

Submission:

Victorian Clinical Genetics Services, Murdoch Childrens Research Institute
Classification: Uncertain significance for Chromosome 2q32-q33 deletion syndrome. Last evaluated: 2022-02-02. Review status: criteria provided, single submitter. Criteria: ACMG Guidelines, 2015. Collection method: clinical testing. Allele origin: germline. Inheritance: Autosomal dominant inheritance.
Comment: Based on the classification scheme VCGS_Germline_v1.3.4, this variant is classified as VUS-3B. Following criteria are met: 0102 - Loss of function is a known mechanism of disease in this gene and is associated with Glass syndrome (MIM#612313). (I) 0107 - This gene is associated with autosomal dominant disease. (I) 0200 - Variant is predicted to result in a missense amino acid change from arginine to histidine. (I) 0251 - This variant is heterozygous. (I) 0302 - Variant is present in gnomAD <0.001 for a dominant condition (v2: 1 heterozygote, 0 homozygotes). (SP) 0309 - An alternative amino acid change at the same position has been observed in gnomAD (v2: 2 heterozygotes, 0 homozygotes). (I) 0502 - Missense variant with conflicting in silico predictions and uninformative conservation. (I) 0600 - Variant is located in the annotated CUT domain (NCBI, DECIPHER). (I) 0710 - Another missense variant comparable to the one identified in this case has inconclusive previous evidence for pathogenicity. p.(Arg543Cys) has been classified as a VUS by a diagnostic laboratory in ClinVar. It was also identified in a heterozygote with developmental delay however, it was a large-scale study with minimal clinical information provided (PMID: 33004838). (I) 0807 - This variant has no previous evidence of pathogenicity. (I) 0905 - No published segregation evidence has been identified for this variant. (I) 1007 - No published functional evidence has been identified for this variant. (I) 1208 - Inheritance information for this variant is not currently available in this individual. (I) Legend: (SP) - Supporting pathogenic, (I) - Information, (SB) - Supporting benign

Literature cited by the submitters: PubMed 33004838.

NM_001172509.2(SATB2):c.1628G>A (p.Arg543His)

Gene: SATB2 (SATB homeobox 2; minus strand). Cytogenetic location: 2q33.1.
Variant type: single nucleotide variant.
Coding change: c.1628G>A on transcript NM_001172509.2 (MANE Select); coding-DNA position 1628, G replaced by A.
Protein change: p.Arg543His; replaces arginine 543 with histidine.
Molecular consequence: missense variant.
Genome position (GRCh38, 1-based): chr2:199,308,872, C>T on the plus strand (G>A on the coding strand, the complement: SATB2 is on the minus strand). VCF-style: chr2-199308872-C-T. GRCh37 (hg19) VCF-style: chr2-200173595-C-T.
Other names: c.1628G>A, p.Arg543His (NM_001172517.1, NM_015265.4); short protein forms R543H.
Identifiers: ClinVar variation 1805185 (VCV001805185.1), dbSNP rs1178625025, ClinGen allele CA350384495.